The following is an entry in ClinVar:

ClinVar aggregate classification (germline): Uncertain significance (1 of 4 stars; one submission).

Allele frequency attached by ClinVar (database versions not stated): TOPMed below 0.00001; gnomAD 0.00001.
gnomAD v4.1: 2 of 1,611,164 alleles (0.00012%); highest among the groups gnomAD compares: African/African-American, 0.0013%; no homozygotes.

Submission:

GeneDx
Classification: Uncertain significance. Last evaluated: 2022-02-16. Review status: criteria provided, single submitter. Criteria: GeneDx Variant Classification Process June 2021. Collection method: clinical testing. Allele origin: germline. Affected: yes.
Comment: Not observed at significant frequency in large population cohorts (gnomAD); In silico analysis supports that this missense variant does not alter protein structure/function; Has not been previously published as pathogenic or benign to our knowledge

NM_014991.6(WDFY3):c.4813G>A (p.Val1605Ile)

Gene: WDFY3 (WD repeat and FYVE domain containing 3; minus strand). Cytogenetic location: 4q21.23.
Variant type: single nucleotide variant.
Coding change: c.4813G>A on transcript NM_014991.6 (MANE Select); coding-DNA position 4813, G replaced by A.
Protein change: p.Val1605Ile; replaces valine 1605 with isoleucine.
Molecular consequence: missense variant.
Genome position (GRCh38, 1-based): chr4:84,772,871, C>T on the plus strand (G>A on the coding strand, the complement: WDFY3 is on the minus strand). VCF-style: chr4-84772871-C-T. GRCh37 (hg19) VCF-style: chr4-85694024-C-T.
Other names: short protein forms V1605I.
Identifiers: ClinVar variation 1702681 (VCV001702681.2), dbSNP rs372983435, ClinGen allele CA100695926.